The following is an entry in ClinVar:

NM_001042492.3(NF1):c.877A>G (p.Asn293Asp)

Gene: NF1 (neurofibromin 1; plus strand). Cytogenetic location: 17q11.2.
Variant type: single nucleotide variant.
Coding change: c.877A>G on transcript NM_001042492.3 (MANE Select); coding-DNA position 877, A replaced by G.
Protein change: p.Asn293Asp; replaces asparagine 293 with aspartic acid.
Molecular consequence: missense variant.
Genome position (GRCh38, 1-based): chr17:31,182,654, A>G. VCF-style: chr17-31182654-A-G. GRCh37 (hg19) VCF-style: chr17-29509672-A-G.
Other names: c.877A>G, p.Asn293Asp (NM_000267.4, NM_001128147.3); short protein forms N293D.
Identifiers: ClinVar variation 1060050 (VCV001060050.5), dbSNP rs2143786964, ClinGen allele CA398991253.

ClinVar aggregate classification (germline): Uncertain significance (1 of 4 stars; one submission).

Conditions:
Neurofibromatosis, type 1 (NF1). Also called: NEUROFIBROMATOSIS, TYPE I, SOMATIC; Neurofibromatosis, type I; VON RECKLINGHAUSEN DISEASE; Peripheral type neurofibromatosis. Identifiers: Orphanet 636, MedGen C0027831, MONDO:0018975, OMIM 162200. Disease mechanism: loss of function.

Submission:

Labcorp Genetics (formerly Invitae), Labcorp
Classification: Uncertain significance for Neurofibromatosis, type 1. Last evaluated: 2022-10-04. Review status: criteria provided, single submitter. Criteria: Invitae Variant Classification Sherloc (09022015). Collection method: clinical testing. Allele origin: germline.
Comment: Advanced modeling of protein sequence and biophysical properties (such as structural, functional, and spatial information, amino acid conservation, physicochemical variation, residue mobility, and thermodynamic stability) performed at Invitae indicates that this missense variant is not expected to disrupt NF1 protein function. ClinVar contains an entry for this variant (Variation ID: 1060050). This variant has not been reported in the literature in individuals affected with NF1-related conditions. This variant is not present in population databases (gnomAD no frequency). This sequence change replaces asparagine, which is neutral and polar, with aspartic acid, which is acidic and polar, at codon 293 of the NF1 protein (p.Asn293Asp). In summary, the available evidence is currently insufficient to determine the role of this variant in disease. Therefore, it has been classified as a Variant of Uncertain Significance.